The following is an entry in ClinVar:

NM_015978.3(TNNI3K):c.195A>T (p.Glu65Asp)

Genes: FPGT-TNNI3K (FPGT-TNNI3K readthrough; plus strand), TNNI3K (TNNI3 interacting kinase; plus strand). Cytogenetic location: 1p31.1.
Variant type: single nucleotide variant.
Coding change: c.195A>T on transcript NM_015978.3 (MANE Select); coding-DNA position 195, A replaced by T.
Protein change: p.Glu65Asp; replaces glutamic acid 65 with aspartic acid.
Molecular consequence: missense variant.
Genome position (GRCh38, 1-based): chr1:74,249,504, A>T. VCF-style: chr1-74249504-A-T. GRCh37 (hg19) VCF-style: chr1-74715188-A-T.
Other names: c.498A>T, p.Glu166Asp (NM_001112808.3, NM_001199327.2); short protein forms E65D, E166D.
Identifiers: ClinVar variation 2813595 (VCV002813595.3), dbSNP rs374710618, ClinGen allele CA24544391.
Genomic context (GRCh38, chr1:74,249,504, plus strand): 5'-ACATGTTTTTTTCAGCTCTGATGAAGCCTTCAGTAAAGTCAATTTAAATTACCGCACTGA[A>T]AATGGGCTGTCTCTACTTCATTTATGTTGCATTTGTGGAGGTGAGTACTTGAAACTTAGT-3'
Protein context (NP_057062.1, residues 55-75): FSKVNLNYRT[Glu65Asp]NGLSLLHLCC

ClinVar aggregate classification (germline): Uncertain significance (1 of 4 stars; one submission).

Allele frequency attached by ClinVar (database versions not stated): TOPMed below 0.00001; ESP Exome Variant Server 0.00008.

Submission:

Labcorp Genetics (formerly Invitae), Labcorp
Classification: Uncertain significance. Last evaluated: 2022-11-11. Review status: criteria provided, single submitter. Criteria: Invitae Variant Classification Sherloc (09022015). Collection method: clinical testing. Allele origin: germline.
Comment: This sequence change replaces glutamic acid, which is acidic and polar, with aspartic acid, which is acidic and polar, at codon 65 of the TNNI3K protein (p.Glu65Asp). This variant is not present in population databases (gnomAD no frequency). This variant has not been reported in the literature in individuals affected with TNNI3K-related conditions. Advanced modeling of protein sequence and biophysical properties (such as structural, functional, and spatial information, amino acid conservation, physicochemical variation, residue mobility, and thermodynamic stability) performed at Invitae indicates that this missense variant is not expected to disrupt TNNI3K protein function. In summary, the available evidence is currently insufficient to determine the role of this variant in disease. Therefore, it has been classified as a Variant of Uncertain Significance.